The following is an entry in ClinVar:

ClinVar aggregate classification (germline): Likely pathogenic (1 of 4 stars; one submission).

Conditions:
Autosomal recessive polycystic kidney disease (ARPKD). Also called: AR polycystic kidney disease. Identifiers: Orphanet 731, Orphanet 8378, MedGen C0085548, MeSH D017044, MONDO:0009889.

Submission:

Natera, Inc.
Classification: Likely pathogenic for Autosomal recessive polycystic kidney disease. Last evaluated: 2025-10-15. Review status: criteria provided, single submitter. Criteria: Natera Variant Classification Schema (03/2026). Collection method: clinical testing. Allele origin: germline.
Comment: The c.11887G>T variant in PKHD1 is a nonsense variant predicted to introduce a stop codon at amino acid 3963. This variant is expected to result in nonsense mediated decay, truncation, or a dysfunctional protein product. This variant is rare in the general population with a frequency below the threshold expected for the associated phenotype(s). Given the available evidence, this variant is classified as Likely Pathogenic.

NM_138694.4(PKHD1):c.11887G>T (p.Glu3963Ter)

Gene: PKHD1 (PKHD1 ciliary IPT domain containing fibrocystin/polyductin; minus strand). Cytogenetic location: 6p12.3.
Variant type: single nucleotide variant.
Coding change: c.11887G>T on transcript NM_138694.4 (MANE Select); coding-DNA position 11887, G replaced by T.
Protein change: p.Glu3963Ter; replaces glutamic acid 3963 with a stop codon.
Molecular consequence: nonsense.
Genome position (GRCh38, 1-based): chr6:51,619,419, C>A on the plus strand (G>T on the coding strand, the complement: PKHD1 is on the minus strand). VCF-style: chr6-51619419-C-A. GRCh37 (hg19) VCF-style: chr6-51484217-C-A.
Other names: short protein forms E3963*.
Identifiers: ClinVar variation 4816565 (VCV004816565.1).